The following is an entry in ClinVar:

ClinVar aggregate classification (germline): Pathogenic (1 of 4 stars; one submission).

Conditions:
Hereditary spastic paraplegia 15 (SPG15). Also called: SPASTIC PARAPLEGIA 15, AUTOSOMAL RECESSIVE; KJELLIN SYNDROME; SPASTIC PARAPLEGIA AND RETINAL DEGENERATION. Identifiers: Orphanet 100996, MedGen C1849128, MONDO:0010044, OMIM 270700.

Submission:

Myriad Genetics, Inc.
Classification: Pathogenic for Hereditary spastic paraplegia 15. Last evaluated: 2024-10-29. Review status: criteria provided, single submitter. Criteria: Myriad Autosomal Dominant, Autosomal Recessive and X-Linked Classification Criteria (2023). Collection method: clinical testing. Allele origin: unknown.
Comment: NM_015346.3(ZFYVE26):c.4726_4727delCA(H1576Ffs*19) is expected to be pathogenic in the context of spastic paraplegia type 15. This variant is predicted to lead to an abnormal or absent protein product due to the creation of a premature termination codon in ZFYVE26, a gene where loss-of-function variants are known to be pathogenic. Please note: this variant was assessed in the context of healthy population screening.

NM_015346.4(ZFYVE26):c.4726_4727del (p.His1576fs)

Gene: ZFYVE26 (zinc finger FYVE-type containing 26; minus strand). Cytogenetic location: 14q24.1.
Variant type: Deletion.
Coding change: c.4726_4727del on transcript NM_015346.4 (MANE Select); coding-DNA positions 4726 to 4727, 2 bases deleted (CA; older notation c.4726_4727delCA).
Protein change: p.His1576fs; shifts the reading frame from histidine 1576.
Molecular consequence: frameshift variant.
Genome position (GRCh38, 1-based): chr14:67,778,196-67,778,197, TG deleted on the plus strand (CA on the coding strand, the reverse complement: ZFYVE26 is on the minus strand); deleting any 2 consecutive bases within chr14:67,778,196-67,778,198 gives the same sequence; the c. name uses the placement nearest the transcript's 3' end. VCF-style (leftmost placement, unchanged base first): chr14-67778195-ATG-A. GRCh37 (hg19) VCF-style: chr14-68244912-ATG-A.
Other names: short protein forms H1576fs.
Identifiers: ClinVar variation 5013684 (VCV005013684.1).
Genomic context (GRCh38, chr14:67,778,195, plus strand): 5'-CTTGTCATGATCTCTTCTTTCTAGAAGGTGGAGAAGATGCTTTTGATGAAGGCTGATTAA[ATG>A]TTCTCTTGGAATGGGGTACAGGCAGCCCCACTCTTCACACAGTTCATACTCCTGGAAGGA-3'